The following is an entry in ClinVar:

ClinVar aggregate classification (germline): Uncertain significance. Review status: criteria provided, multiple submitters, no conflicts (2 of 4 stars). 3 submissions from 3 submitters: Uncertain significance (3). Last evaluated 2025-03-04.

Conditions:
Familial cancer of breast. Also called: BREAST CANCER, FAMILIAL; hereditary breast carcinoma; Hereditary breast cancer. Identifiers: Orphanet 227535, MedGen C0346153, MONDO:0016419, OMIM 114480. Disease mechanism: loss of function.
Fanconi anemia complementation group J. Also called: BRIP1-Related Fanconi Anemia. Identifiers: Orphanet 84, MedGen C1836860, MONDO:0012187, OMIM 609054.
Hereditary cancer-predisposing syndrome. Also called: Hereditary neoplastic syndrome; Neoplastic Syndromes, Hereditary; Hereditary Cancer Syndrome; Tumor predisposition. Identifiers: Orphanet 140162, MedGen C0027672, MeSH D009386, MONDO:0015356.

gnomAD v4.1: 1 of 1,613,448 alleles (0.000062%); highest among the groups gnomAD compares: Non-Finnish European, 0.000085%; no homozygotes.

Submissions (3):

Center for Genomic Medicine, Rigshospitalet, Copenhagen University Hospital
Classification: Uncertain significance. Last evaluated: 2025-03-04. Review status: criteria provided, single submitter. Criteria: ACMG Guidelines, 2015. Collection method: clinical testing. Allele origin: germline.

Ambry Genetics
Classification: Uncertain significance for Hereditary cancer-predisposing syndrome. Last evaluated: 2024-09-06. Review status: criteria provided, single submitter. Criteria: Ambry Variant Classification Scheme 2023. Collection method: clinical testing. Allele origin: germline.
Comment: The p.R403G variant (also known as c.1207C>G), located in coding exon 8 of the BRIP1 gene, results from a C to G substitution at nucleotide position 1207. The arginine at codon 403 is replaced by glycine, an amino acid with dissimilar properties. This amino acid position is highly conserved in available vertebrate species. In addition, the in silico prediction for this alteration is inconclusive. Based on the available evidence, the clinical significance of this variant remains unclear.

Labcorp Genetics (formerly Invitae), Labcorp
Classification: Uncertain significance for Familial cancer of breast; Fanconi anemia complementation group J. Last evaluated: 2022-11-15. Review status: criteria provided, single submitter. Criteria: Invitae Variant Classification Sherloc (09022015). Collection method: clinical testing. Allele origin: germline.
Comment: In summary, the available evidence is currently insufficient to determine the role of this variant in disease. Therefore, it has been classified as a Variant of Uncertain Significance. Advanced modeling of protein sequence and biophysical properties (such as structural, functional, and spatial information, amino acid conservation, physicochemical variation, residue mobility, and thermodynamic stability) performed at Invitae indicates that this missense variant is expected to disrupt BRIP1 protein function. ClinVar contains an entry for this variant (Variation ID: 1394944). This variant has not been reported in the literature in individuals affected with BRIP1-related conditions. This variant is not present in population databases (gnomAD no frequency). This sequence change replaces arginine, which is basic and polar, with glycine, which is neutral and non-polar, at codon 403 of the BRIP1 protein (p.Arg403Gly).

NM_032043.3(BRIP1):c.1207C>G (p.Arg403Gly)

Gene: BRIP1 (BRCA1 interacting DNA helicase 1; minus strand). Cytogenetic location: 17q23.2.
Variant type: single nucleotide variant.
Coding change: c.1207C>G on transcript NM_032043.3 (MANE Select); coding-DNA position 1207, C replaced by G.
Protein change: p.Arg403Gly; replaces arginine 403 with glycine.
Molecular consequence: missense variant.
Genome position (GRCh38, 1-based): chr17:61,799,233, G>C on the plus strand (C>G on the coding strand, the complement: BRIP1 is on the minus strand). VCF-style: chr17-61799233-G-C. GRCh37 (hg19) VCF-style: chr17-59876594-G-C.
Other names: c.1207C>G (NM_032043.2); short protein forms R403G.
Identifiers: ClinVar variation 1394944 (VCV001394944.11), dbSNP rs369631413, ClinGen allele CA400483691.